The following is an entry in ClinVar:

ClinVar aggregate classification (germline): Uncertain significance (1 of 4 stars; one submission).

Submission:

Ambry Genetics
Classification: Uncertain significance. Last evaluated: 2025-03-07. Review status: criteria provided, single submitter. Criteria: Ambry Variant Classification Scheme 2023. Collection method: clinical testing. Allele origin: germline.
Comment: The p.I512M variant (also known as c.1536T>G), located in coding exon 2 of the CDK12 gene, results from a T to G substitution at nucleotide position 1536. The isoleucine at codon 512 is replaced by methionine, an amino acid with highly similar properties. This amino acid position is conserved. In addition, this alteration is predicted to be tolerated by in silico analysis. Based on the available evidence, the clinical significance of this variant remains unclear.

NM_016507.4(CDK12):c.1536T>G (p.Ile512Met)

Gene: CDK12 (cyclin dependent kinase 12; plus strand). Cytogenetic location: 17q12.
Variant type: single nucleotide variant.
Coding change: c.1536T>G on transcript NM_016507.4 (MANE Select); coding-DNA position 1536, T replaced by G.
Protein change: p.Ile512Met; replaces isoleucine 512 with methionine.
Molecular consequence: missense variant.
Genome position (GRCh38, 1-based): chr17:39,471,368, T>G. VCF-style: chr17-39471368-T-G. GRCh37 (hg19) VCF-style: chr17-37627621-T-G.
Other names: c.1536T>G, p.Ile512Met (NM_015083.4); short protein forms I512M.
Identifiers: ClinVar variation 3830770 (VCV003830770.1).